The following is an entry in ClinVar:

NM_001100.4(ACTA1):c.1061T>C (p.Phe354Ser)

Gene: ACTA1 (actin alpha 1, skeletal muscle; minus strand). Cytogenetic location: 1q42.13.
Variant type: single nucleotide variant.
Coding change: c.1061T>C on transcript NM_001100.4 (MANE Select); coding-DNA position 1061, T replaced by C.
Protein change: p.Phe354Ser; replaces phenylalanine 354 with serine.
Molecular consequence: missense variant.
Genome position (GRCh38, 1-based): chr1:229,431,572, A>G on the plus strand (T>C on the coding strand, the complement: ACTA1 is on the minus strand). VCF-style: chr1-229431572-A-G. GRCh37 (hg19) VCF-style: chr1-229567319-A-G.
Other names: short protein forms F354S.
Identifiers: ClinVar variation 2507259 (VCV002507259.5), dbSNP rs2527435481, ClinGen allele CA345144556.

ClinVar aggregate classification (germline): Uncertain significance. Review status: criteria provided, multiple submitters, no conflicts (2 of 4 stars). 3 submissions from 3 submitters: Uncertain significance (3). Last evaluated 2023-06-18.

Conditions:
Actin accumulation myopathy (CMYO2A). Also called: CONGENITAL MYOPATHY 2A, TYPICAL, AUTOSOMAL DOMINANT; Nemaline myopathy type 3; Myopathy, actin, congenital, with excess of thin myofilaments; Myopathy, actin, congenital, with cores; Nemaline myopathy 3, with intranuclear rods. Identifiers: Orphanet 98904, MedGen C3711389, MONDO:0008070, OMIM 161800.

Submissions (3):

Labcorp Genetics (formerly Invitae), Labcorp
Classification: Uncertain significance for Actin accumulation myopathy. Last evaluated: 2023-06-18. Review status: criteria provided, single submitter. Criteria: Invitae Variant Classification Sherloc (09022015). Collection method: clinical testing. Allele origin: germline.
Comment: This variant is not present in population databases (gnomAD no frequency). In summary, the available evidence is currently insufficient to determine the role of this variant in disease. Therefore, it has been classified as a Variant of Uncertain Significance. Advanced modeling of protein sequence and biophysical properties (such as structural, functional, and spatial information, amino acid conservation, physicochemical variation, residue mobility, and thermodynamic stability) has been performed at Invitae for this missense variant, however the output from this modeling did not meet the statistical confidence thresholds required to predict the impact of this variant on ACTA1 protein function. This missense change has been observed in individuals with autosomal dominant nuclear myopathy (PMID: 19562689, 22358459). This sequence change replaces phenylalanine, which is neutral and non-polar, with serine, which is neutral and polar, at codon 354 of the ACTA1 protein (p.Phe354Ser).

GeneDx
Classification: Uncertain significance. Last evaluated: 2022-12-27. Review status: criteria provided, single submitter. Criteria: GeneDx Variant Classification Process June 2021. Collection method: clinical testing. Allele origin: germline. Affected: yes.
Comment: Identified in a patient with nemaline myopathy in the published literature (Laing et al., 2019); Not observed at significant frequency in large population cohorts (gnomAD); In silico analysis supports that this missense variant has a deleterious effect on protein structure/function; Missense variants in this gene are often considered pathogenic (HGMD); This variant is associated with the following publications: (PMID: 22358459, 19562689)

Athena Diagnostics
Classification: Uncertain significance. Last evaluated: 2022-12-07. Review status: criteria provided, single submitter. Criteria: Athena Diagnostics Criteria. Collection method: clinical testing. Allele origin: unknown.
Comment: Available data are insufficient to determine the clinical significance of the variant at this time. This variant has been identified in at least one individual with autosomal dominant nemaline myopathy. This variant has not been reported in large, multi-ethnic general populations. Computational tools predict that this variant is damaging.

Literature cited by the submitters: PubMed 19562689 (cited by Labcorp Genetics (formerly Invitae), Labcorp and Athena Diagnostics); PubMed 22358459 (cited by Labcorp Genetics (formerly Invitae), Labcorp and Athena Diagnostics); PubMed 33543123 (cited by Athena Diagnostics).